The following is an entry in ClinVar:

ClinVar aggregate classification (germline): Uncertain significance (1 of 4 stars; one submission).

Submission:

GeneDx
Classification: Uncertain significance. Last evaluated: 2025-01-08. Review status: criteria provided, single submitter. Criteria: GeneDx Variant Classification Process June 2021. Collection method: clinical testing. Allele origin: germline. Affected: yes.
Comment: Not observed at significant frequency in large population cohorts (gnomAD); In silico analysis supports that this missense variant has a deleterious effect on protein structure/function; Has not been previously published as pathogenic or benign to our knowledge

NM_004423.4(DVL3):c.1132A>C (p.Ser378Arg)

Gene: DVL3 (dishevelled segment polarity protein 3; plus strand). Cytogenetic location: 3q27.1.
Variant type: single nucleotide variant.
Coding change: c.1132A>C on transcript NM_004423.4 (MANE Select); coding-DNA position 1132, A replaced by C.
Protein change: p.Ser378Arg; replaces serine 378 with arginine.
Molecular consequence: missense variant.
Genome position (GRCh38, 1-based): chr3:184,166,909, A>C. VCF-style: chr3-184166909-A-C. GRCh37 (hg19) VCF-style: chr3-183884697-A-C.
Other names: short protein forms S378R.
Identifiers: ClinVar variation 4056952 (VCV004056952.1).